The following is an entry in ClinVar:

ClinVar aggregate classification (germline): Likely benign (1 of 4 stars; one submission).

Allele frequency attached by ClinVar (database versions not stated): gnomAD 0.00002; TOPMed 0.00003.

Submission:

GeneDx
Classification: Likely benign. Last evaluated: 2017-02-06. Review status: criteria provided, single submitter. Criteria: GeneDx Variant Classification (06012015). Collection method: clinical testing. Allele origin: germline. Affected: yes.
Comment: This variant is considered likely benign or benign based on one or more of the following criteria: it is a conservative change, it occurs at a poorly conserved position in the protein, it is predicted to be benign by multiple in silico algorithms, and/or has population frequency not consistent with disease.

NM_005159.5(ACTC1):c.-36C>G

Genes: ACTC1 (actin alpha cardiac muscle 1; minus strand), GJD2-DT (GJD2 divergent transcript; plus strand). Cytogenetic location: 15q14.
Variant type: single nucleotide variant.
Coding change: c.-36C>G on transcript NM_005159.5 (MANE Select); 36 bases upstream of the start codon, C replaced by G.
Molecular consequence: 5 prime UTR variant.
Genome position (GRCh38, 1-based): chr15:34,795,519, G>C on the plus strand (C>G on the coding strand, the complement: ACTC1 is on the minus strand). VCF-style: chr15-34795519-G-C. GRCh37 (hg19) VCF-style: chr15-35087720-G-C.
Other names: c.-36C>G (LRG_388t1).
Identifiers: ClinVar variation 315713 (VCV000315713.5), dbSNP rs886051091, ClinGen allele CA10645779.